The following is an entry in ClinVar:

NM_000051.4(ATM):c.7846A>G (p.Met2616Val)

Genes: ATM (ATM serine/threonine kinase; plus strand), C11orf65 (chromosome 11 open reading frame 65; minus strand). Cytogenetic location: 11q22.3.
Variant type: single nucleotide variant.
Coding change: c.7846A>G on transcript NM_000051.4 (MANE Select); coding-DNA position 7846, A replaced by G.
Protein change: p.Met2616Val; replaces methionine 2616 with valine.
Molecular consequence: missense variant. On other transcripts: intron variant (2).
Genome position (GRCh38, 1-based): chr11:108,332,819, A>G. VCF-style: chr11-108332819-A-G. GRCh37 (hg19) VCF-style: chr11-108203546-A-G.
Other names: c.7846A>G, p.Met2616Val (NM_001351834.2); c.641-23748T>C (NM_001330368.2); c.*38+2401T>C (NM_001351110.2); short protein forms M2616V.
Identifiers: ClinVar variation 229805 (VCV000229805.18), dbSNP rs876658208, ClinGen allele CA10579271.

ClinVar aggregate classification (germline): Uncertain significance. Review status: criteria provided, multiple submitters, no conflicts (2 of 4 stars). 4 submissions from 4 submitters: Uncertain significance (4). Last evaluated 2026-10-01.

Conditions:
Hereditary cancer-predisposing syndrome. Also called: Neoplastic Syndromes, Hereditary; Hereditary neoplastic syndrome; Tumor predisposition; Hereditary Cancer Syndrome. Identifiers: Orphanet 140162, MedGen C0027672, MeSH D009386, MONDO:0015356.
Ataxia-telangiectasia syndrome (AT). Also called: Ataxia telangiectasia (A-T); Cerebello-oculocutaneous telangiectasia; Immunodeficiency with ataxia telangiectasia; LOUIS-BAR SYNDROME; AT, COMPLEMENTATION GROUP C; ATAXIA-TELANGIECTASIA, FRESNO VARIANT. Identifiers: Orphanet 100, MedGen C0004135, MONDO:0008840, OMIM 208900.

Allele frequency attached by ClinVar (database versions not stated): gnomAD exomes below 0.00001.
gnomAD v4.1: 2 of 1,613,504 alleles (0.00012%); highest among the groups gnomAD compares: Non-Finnish European, 0.00017%; no homozygotes.

Submissions (4):

St. Jude Molecular Pathology, St. Jude Children's Research Hospital
Classification: Uncertain significance for Ataxia-telangiectasia syndrome. Last evaluated: 2026-10-01. Review status: criteria provided, single submitter. Criteria: St. Jude Assertion Criteria 2020. Collection method: clinical testing. Allele origin: germline.
Comment: The ATM c.7846A>G p.(Met2616Val) missense change is absent in gnomAD v2.1.1. T he in silico tool REVEL is inconclusive about a pathogenic or benign effect of this variant on protein function, and to our knowledge functional studies have not been performed. To our knowledge, this variant has not been reported in individuals with ata xia telangiectasia. In summary, the evidence currently available is insufficient to determine the clinical significance of this variant. It has therefore been classified as of uncertain significance.

Labcorp Genetics (formerly Invitae), Labcorp
Classification: Uncertain significance for Ataxia-telangiectasia syndrome. Last evaluated: 2025-12-08. Review status: criteria provided, single submitter. Criteria: Invitae Variant Classification Sherloc (09022015). Collection method: clinical testing. Allele origin: germline.
Comment: This sequence change replaces methionine, which is neutral and non-polar, with valine, which is neutral and non-polar, at codon 2616 of the ATM protein (p.Met2616Val). This variant is not present in population databases (gnomAD no frequency). This missense change has been observed in individual(s) with prostate cancer (PMID: 33436325). ClinVar contains an entry for this variant (Variation ID: 229805). Invitae Evidence Modeling of protein sequence and biophysical properties (such as structural, functional, and spatial information, amino acid conservation, physicochemical variation, residue mobility, and thermodynamic stability) indicates that this missense variant is not expected to disrupt ATM protein function with a negative predictive value of 95%. RNA analysis performed to evaluate the impact of this missense change on mRNA splicing indicates it does not significantly alter splicing (internal data). In summary, the available evidence is currently insufficient to determine the role of this variant in disease. Therefore, it has been classified as a Variant of Uncertain Significance.

Ambry Genetics
Classification: Uncertain significance for Hereditary cancer-predisposing syndrome. Last evaluated: 2024-09-04. Review status: criteria provided, single submitter. Criteria: Ambry Variant Classification Scheme 2023. Collection method: clinical testing. Allele origin: germline.
Comment: The p.M2616V variant (also known as c.7846A>G), located in coding exon 52 of the ATM gene, results from an A to G substitution at nucleotide position 7846. The methionine at codon 2616 is replaced by valine, an amino acid with highly similar properties. This variant was reported in 1/5560 prostate cancer cases and in 0/3353 controls of European ancestry (Karlsson Q et al. Eur Urol Oncol, 2021 Aug;4:570-579). This amino acid position is highly conserved in available vertebrate species. In addition, the in silico prediction for this alteration is inconclusive. Based on the available evidence, the clinical significance of this variant remains unclear.

Illumina Laboratory Services, Illumina
Classification: Uncertain significance for Ataxia-telangiectasia syndrome. Last evaluated: 2018-01-12. Review status: criteria provided, single submitter. Criteria: ICSL Variant Classification Criteria 13 December 2019. Collection method: clinical testing. Allele origin: germline.

Literature cited by the submitters: PubMed 33436325 (cited by Labcorp Genetics (formerly Invitae), Labcorp and Ambry Genetics); PubMed 29684080 (cited by Ambry Genetics).